The following is an entry in ClinVar:

ClinVar aggregate classification (germline): Likely benign. Review status: criteria provided, multiple submitters, no conflicts (2 of 4 stars). 3 submissions from 3 submitters: Likely benign (3). Last evaluated 2025-09-24.

Conditions:
Cardiovascular phenotype. Identifiers: MedGen CN230736.
Dilated cardiomyopathy 1KK (CMD1KK). Identifiers: Orphanet 154, Orphanet 75249, MedGen C3714995, MONDO:0014100, OMIM 615248.
MYPN-related disorder. Also called: MYPN-related condition.

Submissions (3):

PreventionGenetics, part of Exact Sciences
Classification: Likely benign for MYPN-related condition. Last evaluated: 2025-09-24. Review status: criteria provided, single submitter. Criteria: ACMG Guidelines, 2015. Collection method: clinical testing. Allele origin: germline.
Comment: This variant is classified as likely benign based on ACMG/AMP sequence variant interpretation guidelines (Richards et al. 2015 PMID: 25741868, with internal and published modifications).

Labcorp Genetics (formerly Invitae), Labcorp
Classification: Likely benign for Dilated cardiomyopathy 1KK. Last evaluated: 2025-07-06. Review status: criteria provided, single submitter. Criteria: Invitae Variant Classification Sherloc (09022015). Collection method: clinical testing. Allele origin: germline.

Ambry Genetics
Classification: Likely benign for Cardiovascular phenotype. Last evaluated: 2024-10-24. Review status: criteria provided, single submitter. Criteria: Ambry Variant Classification Scheme 2023. Collection method: clinical testing. Allele origin: germline.

NM_032578.4(MYPN):c.150C>T (p.Ala50=)

Gene: MYPN (myopalladin; plus strand). Cytogenetic location: 10q21.3.
Variant type: single nucleotide variant.
Coding change: c.150C>T on transcript NM_032578.4 (MANE Select); coding-DNA position 150, C replaced by T.
Protein change: p.Ala50=; no amino-acid change (alanine 50 retained).
Molecular consequence: synonymous variant. On other transcripts: 5 prime UTR variant (1), non-coding transcript variant (1).
Genome position (GRCh38, 1-based): chr10:68,121,588, C>T. VCF-style: chr10-68121588-C-T. GRCh37 (hg19) VCF-style: chr10-69881345-C-T.
Other names: c.150C>T, p.Ala50= (NM_001256267.2); c.-973C>T (NM_001256268.2).
Identifiers: ClinVar variation 3402064 (VCV003402064.3).